The following is an entry in ClinVar:

NM_006231.4(POLE):c.1849A>T (p.Ile617Phe)

Gene: POLE (DNA polymerase epsilon, catalytic subunit; minus strand). Cytogenetic location: 12q24.33.
Variant type: single nucleotide variant.
Coding change: c.1849A>T on transcript NM_006231.4 (MANE Select); coding-DNA position 1849, A replaced by T.
Protein change: p.Ile617Phe; replaces isoleucine 617 with phenylalanine.
Molecular consequence: missense variant.
Genome position (GRCh38, 1-based): chr12:132,668,885, T>A on the plus strand (A>T on the coding strand, the complement: POLE is on the minus strand). VCF-style: chr12-132668885-T-A. GRCh37 (hg19) VCF-style: chr12-133245471-T-A.
Other names: c.1849A>T (NM_006231.2); short protein forms I617F.
Identifiers: ClinVar variation 835874 (VCV000835874.10), dbSNP rs1336668078, ClinGen allele CA387355527.

ClinVar aggregate classification (germline): Uncertain significance. Review status: criteria provided, multiple submitters, no conflicts (2 of 4 stars). 2 submissions from 2 submitters: Uncertain significance (2). Last evaluated 2024-07-03.

Conditions:
Hereditary cancer-predisposing syndrome. Also called: Hereditary neoplastic syndrome; Neoplastic Syndromes, Hereditary; Tumor predisposition; Hereditary Cancer Syndrome. Identifiers: Orphanet 140162, MedGen C0027672, MeSH D009386, MONDO:0015356.

Allele frequency attached by ClinVar (database versions not stated): gnomAD 0.00001; TOPMed 0.00001.
gnomAD v4.1: 1 of 1,614,020 alleles (0.000062%); highest among the groups gnomAD compares: African/African-American, 0.0013%; no homozygotes.

Submissions (2):

Ambry Genetics
Classification: Uncertain significance for Hereditary cancer-predisposing syndrome. Last evaluated: 2024-07-03. Review status: criteria provided, single submitter. Criteria: Ambry Variant Classification Scheme 2023. Collection method: clinical testing. Allele origin: germline.
Comment: The p.I617F variant (also known as c.1849A>T), located in coding exon 17 of the POLE gene, results from an A to T substitution at nucleotide position 1849. The isoleucine at codon 617 is replaced by phenylalanine, an amino acid with highly similar properties. This amino acid position is conserved. In addition, the in silico prediction for this alteration is inconclusive. Based on the available evidence, the clinical significance of this variant remains unclear.

Labcorp Genetics (formerly Invitae), Labcorp
Classification: Uncertain significance. Last evaluated: 2024-05-01. Review status: criteria provided, single submitter. Criteria: Invitae Variant Classification Sherloc (09022015). Collection method: clinical testing. Allele origin: germline.
Comment: This sequence change replaces isoleucine, which is neutral and non-polar, with phenylalanine, which is neutral and non-polar, at codon 617 of the POLE protein (p.Ile617Phe). This variant is not present in population databases (gnomAD no frequency). This variant has not been reported in the literature in individuals affected with POLE-related conditions. ClinVar contains an entry for this variant (Variation ID: 835874). Advanced modeling of protein sequence and biophysical properties (such as structural, functional, and spatial information, amino acid conservation, physicochemical variation, residue mobility, and thermodynamic stability) performed at Invitae indicates that this missense variant is not expected to disrupt POLE protein function with a negative predictive value of 80%. In summary, the available evidence is currently insufficient to determine the role of this variant in disease. Therefore, it has been classified as a Variant of Uncertain Significance.